The following is an entry in ClinVar:

ClinVar aggregate classification (germline): Uncertain significance. Review status: criteria provided, multiple submitters, no conflicts (2 of 4 stars). 2 submissions from 2 submitters: Uncertain significance (2). Last evaluated 2025-07-09.

Conditions:
Cardiovascular phenotype. Identifiers: MedGen CN230736.

Allele frequency attached by ClinVar (database versions not stated): gnomAD 0.00001; TOPMed 0.00001.
gnomAD v4.1: 1 of 1,613,876 alleles (0.000062%); highest among the groups gnomAD compares: African/African-American, 0.0013%; no homozygotes.

Submissions (2):

Women's Health and Genetics/Laboratory Corporation of America, LabCorp
Classification: Uncertain significance. Last evaluated: 2025-07-09. Review status: criteria provided, single submitter. Criteria: LabCorp Variant Classification Summary - May 2015. Collection method: clinical testing. Allele origin: germline.

Ambry Genetics
Classification: Uncertain significance for Cardiovascular phenotype. Last evaluated: 2021-08-19. Review status: criteria provided, single submitter. Criteria: Ambry Variant Classification Scheme 2023. Collection method: clinical testing. Allele origin: germline.
Comment: The p.R182G variant (also known as c.544A>G), located in coding exon 6 of the LDLRAP1 gene, results from an A to G substitution at nucleotide position 544. The arginine at codon 182 is replaced by glycine, an amino acid with dissimilar properties. This amino acid position is conserved. In addition, this alteration is predicted to be tolerated by in silico analysis. Since supporting evidence is limited at this time, the clinical significance of this alteration remains unclear.

NM_015627.3(LDLRAP1):c.544A>G (p.Arg182Gly)

Gene: LDLRAP1 (low density lipoprotein receptor adaptor protein 1; plus strand). Cytogenetic location: 1p36.11.
Variant type: single nucleotide variant.
Coding change: c.544A>G on transcript NM_015627.3 (MANE Select); coding-DNA position 544, A replaced by G.
Protein change: p.Arg182Gly; replaces arginine 182 with glycine.
Molecular consequence: missense variant.
Genome position (GRCh38, 1-based): chr1:25,563,081, A>G. VCF-style: chr1-25563081-A-G. GRCh37 (hg19) VCF-style: chr1-25889572-A-G.
Other names: short protein forms R182G.
Identifiers: ClinVar variation 1747587 (VCV001747587.3), dbSNP rs909745709, ClinGen allele CA19644902.